The following is an entry in ClinVar:

NM_002474.3(MYH11):c.5439G>A (p.Lys1813=)

Genes: MYH11 (myosin heavy chain 11; minus strand), NDE1 (nudE neurodevelopment protein 1; plus strand). Cytogenetic location: 16p13.11.
Variant type: single nucleotide variant.
Coding change: c.5439G>A on transcript NM_002474.3 (MANE Select); coding-DNA position 5439, G replaced by A.
Protein change: p.Lys1813=; no amino-acid change (lysine 1813 retained).
Molecular consequence: synonymous variant. On other transcripts: intron variant (2).
Genome position (GRCh38, 1-based): chr16:15,717,205, C>T on the plus strand (G>A on the coding strand, the complement: MYH11 is on the minus strand). VCF-style: chr16-15717205-C-T. GRCh37 (hg19) VCF-style: chr16-15811062-C-T.
Other names: p.K1813K:AAG>AAA; p.Lys1820=; c.5460G>A, p.Lys1820= (NM_001040113.2, NM_001040114.2); c.5439G>A, p.Lys1813= (NM_022844.3); c.948-6986C>T (NM_001143979.2, NM_017668.3).
Identifiers: ClinVar variation 138353 (VCV000138353.51), dbSNP rs1050162, ClinGen allele CA172632.

ClinVar aggregate classification (germline): Benign/Likely benign. Review status: criteria provided, multiple submitters, no conflicts (2 of 4 stars). 23 submissions from 19 submitters: Benign (18); Likely benign (1). 4 of the submissions do not count toward it. Last evaluated 2026-02-04.

Conditions:
Cardiovascular phenotype. Identifiers: MedGen CN230736.
Visceral myopathy 2. Identifiers: MedGen C5543466, MONDO:0859157, OMIM 619350.
Megacystis-microcolon-intestinal hypoperistalsis syndrome 2. Identifiers: MedGen C5543476, MONDO:0025708, OMIM 619351.
Lissencephaly 4 (LIS4). Also called: Lissencephaly 4 (with microcephaly). Identifiers: Orphanet 1083, MedGen C3151461, MONDO:0013527, OMIM 614019.
Familial thoracic aortic aneurysm and aortic dissection (TAAD). Also called: Thoracic aortic aneurysms and dissections. Identifiers: Orphanet 91387, MedGen C4707243, MONDO:0019625.
Aortic aneurysm, familial thoracic 4 (AAT4). Also called: AORTIC ANEURYSM/AORTIC DISSECTION AND PATENT DUCTUS ARTERIOSUS. Identifiers: MedGen C1851504, MONDO:0007568, OMIM 132900.

Allele frequency attached by ClinVar (database versions not stated): 1000 Genomes Project 30x 0.39507; 1000 Genomes Project 0.39677; TOPMed 0.43776; ESP Exome Variant Server 0.43943; gnomAD 0.44260 and 0.44262; ExAC 0.48230; gnomAD exomes 0.48531 and 0.48860.
gnomAD v4.1: 780,938 of 1,613,910 alleles (48%); highest among the groups gnomAD compares: Middle Eastern, 59%; 192,183 homozygotes.

Submissions (23):

Labcorp Genetics (formerly Invitae), Labcorp
Classification: Benign for Aortic aneurysm, familial thoracic 4. Last evaluated: 2026-02-04. Review status: criteria provided, single submitter. Criteria: Invitae Variant Classification Sherloc (09022015). Collection method: clinical testing. Allele origin: germline.

ARUP Laboratories, Molecular Genetics and Genomics, ARUP Laboratories
Classification: Benign. Last evaluated: 2025-07-29. Review status: criteria provided, single submitter. Criteria: ARUP Molecular Germline Variant Investigation Process 2024. Collection method: clinical testing. Allele origin: germline.

Molecular Diagnostic Laboratory for Inherited Cardiovascular Disease, Montreal Heart Institute
Classification: Benign. Last evaluated: 2025-04-09. Review status: criteria provided, single submitter. Criteria: ACMG Guidelines, 2015. Collection method: clinical testing. Allele origin: germline. Affected: no.

Blueprint Genetics
Classification: Benign. Last evaluated: 2024-11-27. Review status: criteria provided, single submitter. Criteria: ACMG Guidelines, 2015. Collection method: clinical testing. Allele origin: germline.

All of Us Research Program, National Institutes of Health
Classification: Benign for Familial thoracic aortic aneurysm and aortic dissection. Last evaluated: 2024-10-03. Review status: criteria provided, single submitter. Criteria: ACMG Guidelines, 2015. Collection method: clinical testing. Allele origin: germline. Inheritance: Autosomal dominant inheritance. Observed: 105,225 variant alleles, 70,223 heterozygotes, 34,980 homozygotes, 22 hemizygotes.
Comment: This study involves interpretation of variants in research participants for the purpose of population health screening. Participant phenotype was not available at the time of variant classification. Additional details can be found in publication PMID: 35346344, PMCID: PMC8962531

Genome-Nilou Lab
Classification: Benign for Aortic aneurysm, familial thoracic 4. Last evaluated: 2021-09-05. Review status: criteria provided, single submitter. Criteria: ACMG Guidelines, 2015. Collection method: clinical testing. Allele origin: germline. Affected: no.

Genome-Nilou Lab
Classification: Benign for Megacystis-microcolon-intestinal hypoperistalsis syndrome 2. Last evaluated: 2021-09-05. Review status: criteria provided, single submitter. Criteria: ACMG Guidelines, 2015. Collection method: clinical testing. Allele origin: germline. Affected: no.

Genome-Nilou Lab
Classification: Benign for Visceral myopathy 2. Last evaluated: 2021-09-05. Review status: criteria provided, single submitter. Criteria: ACMG Guidelines, 2015. Collection method: clinical testing. Allele origin: germline. Affected: no.

Color Diagnostics, LLC DBA Color Health
Classification: Benign for Familial thoracic aortic aneurysm and aortic dissection. Last evaluated: 2018-03-07. Review status: criteria provided, single submitter. Criteria: ACMG Guidelines, 2015. Collection method: clinical testing. Allele origin: germline.

Illumina Laboratory Services, Illumina
Classification: Benign for Aortic aneurysm, familial thoracic 4. Last evaluated: 2018-01-13. Review status: criteria provided, single submitter. Criteria: ICSL Variant Classification Criteria 13 December 2019. Collection method: clinical testing. Allele origin: germline.
Comment: This variant was observed in the ICSL laboratory as part of a predisposition screen in an ostensibly healthy population. It had not been previously curated by ICSL or reported in the Human Gene Mutation Database (HGMD: prior to June 1st, 2018), and was therefore a candidate for classification through an automated scoring system. Utilizing variant allele frequency, disease prevalence and penetrance estimates, and inheritance mode, an automated score was calculated to assess if this variant is too frequent to cause the disease. Based on the score and internal cut-off values, a variant classified as benign is not then subjected to further curation. The score for this variant resulted in a classification of benign for this disease.

Clinical Genetics DNA and cytogenetics Diagnostics Lab, Erasmus MC, Erasmus Medical Center
Classification: Benign for Aortic aneurysm, familial thoracic 4. Last evaluated: 2017-06-28. Review status: criteria provided, single submitter. Criteria: ACGS Guidelines, 2013. Collection method: clinical testing. Allele origin: germline. Affected: yes. Study: VKGL Data-share Consensus.

Illumina Laboratory Services, Illumina
Classification: Benign for Lissencephaly 4. Last evaluated: 2017-04-27. Review status: criteria provided, single submitter. Criteria: ICSL Variant Classification Criteria 13 December 2019. Collection method: clinical testing. Allele origin: germline.
Comment: This variant was observed as part of a predisposition screen in an ostensibly healthy population. A literature search was performed for the gene, cDNA change, and amino acid change (where applicable). No publications were found based on this search. Allele frequency data from public databases was too high to be consistent with this variant causing disease. Therefore, this variant is classified as benign.

Ambry Genetics
Classification: Benign for Familial thoracic aortic aneurysm and aortic dissection. Last evaluated: 2015-06-19. Review status: criteria provided, single submitter. Criteria: Ambry Autosomal Dominant and X-Linked criteria (10/2015). Collection method: clinical testing. Allele origin: germline. Observed: 1 variant allele.
Comment: General population or subpopulation frequency is too high to be a pathogenic mutation based on disease/syndrome prevalence and penetrance

Ambry Genetics
Classification: Benign for Cardiovascular phenotype. Last evaluated: 2014-11-19. Review status: criteria provided, single submitter. Criteria: Ambry Autosomal Dominant and X-Linked criteria (10/2015). Collection method: clinical testing. Allele origin: germline. Observed: 1 variant allele.

Mayo Clinic Laboratories, Mayo Clinic
Classification: Benign. Last evaluated: 2014-02-05. Review status: criteria provided, single submitter. Criteria: ACMG Guidelines, 2015. Collection method: clinical testing. Allele origin: germline. Observed: 1,123 variant alleles.

Laboratory for Molecular Medicine, Mass General Brigham Personalized Medicine
Classification: Benign. Last evaluated: 2013-04-04. Review status: criteria provided, single submitter. Criteria: LMM Criteria. Collection method: clinical testing. Allele origin: germline. Observed: 23 variant alleles.
Comment: Lys1820Lys in exon 39 of MYH11: This variant is not expected to have clinical si gnificance because it does not alter an amino acid residue and is not located wi thin the splice consensus sequence. It has been identified in 49.2% (4229/8600) of European American chromosomes from a broad population by the NHLBI Exome Sequ encing Project (dbSNP rs1050162).

GeneDx
Classification: Benign. Last evaluated: 2012-11-02. Review status: criteria provided, single submitter. Criteria: GeneDx Variant Classification (06012015). Collection method: clinical testing. Allele origin: germline. Affected: yes.
Comment: This variant is considered likely benign or benign based on one or more of the following criteria: it is a conservative change, it occurs at a poorly conserved position in the protein, it is predicted to be benign by multiple in silico algorithms, and/or has population frequency not consistent with disease.

Breakthrough Genomics
Classification: Likely benign. Review status: criteria provided, single submitter. Criteria: ACMG Guidelines, 2015. Collection method: not provided. Allele origin: germline. Inheritance: Autosomal recessive inheritance. Affected: yes.

PreventionGenetics, part of Exact Sciences
Classification: Benign. Review status: criteria provided, single submitter. Criteria: ACMG Guidelines, 2015. Collection method: clinical testing. Allele origin: germline.

Genome Diagnostics Laboratory, Amsterdam University Medical Center
Classification: Benign for Aortic aneurysm, familial thoracic 4. Last evaluated: 2014-11-19. Review status: no assertion criteria provided. Criteria: ACGS Guidelines, 2013. Collection method: clinical testing. Allele origin: germline. Affected: yes. Study: VKGL Data-share Consensus. Not counted in ClinVar's aggregate classification.

Diagnostic Laboratory, Department of Genetics, University Medical Center Groningen
Classification: Benign for Aortic aneurysm, familial thoracic 4. Review status: no assertion criteria provided. Collection method: clinical testing. Allele origin: germline. Affected: yes. Study: VKGL Data-share Consensus. Not counted in ClinVar's aggregate classification.

Genetic Services Laboratory, University of Chicago
Classification: Likely benign. Review status: no assertion criteria provided. Collection method: clinical testing. Allele origin: germline. Inheritance: Autosomal recessive inheritance. Not counted in ClinVar's aggregate classification.
Comment: Likely benign based on allele frequency in 1000 Genomes Project or ESP global frequency and its presence in a patient with a rare or unrelated disease phenotype. NOT Sanger confirmed

Joint Genome Diagnostic Labs from Nijmegen and Maastricht, Radboudumc and MUMC+
Classification: Benign. Review status: no assertion criteria provided. Collection method: clinical testing. Allele origin: germline. Affected: yes. Study: VKGL Data-share Consensus. Not counted in ClinVar's aggregate classification.